The following is an entry in ClinVar:

ClinVar aggregate classification (germline): Uncertain significance (1 of 4 stars; one submission).

Conditions:
Hereditary cancer-predisposing syndrome. Also called: Tumor predisposition; Hereditary Cancer Syndrome; Hereditary neoplastic syndrome; Neoplastic Syndromes, Hereditary. Identifiers: Orphanet 140162, MedGen C0027672, MeSH D009386, MONDO:0015356.

gnomAD v4.1: 1 of 1,610,920 alleles (0.000062%); highest among the groups gnomAD compares: Non-Finnish European, 0.000085%; no homozygotes.

Submission:

Ambry Genetics
Classification: Uncertain significance for Hereditary cancer-predisposing syndrome. Last evaluated: 2024-06-06. Review status: criteria provided, single submitter. Criteria: Ambry Variant Classification Scheme 2023. Collection method: clinical testing. Allele origin: germline.
Comment: The p.T581I variant (also known as c.1742C>T), located in coding exon 12 of the MSH3 gene, results from a C to T substitution at nucleotide position 1742. The threonine at codon 581 is replaced by isoleucine, an amino acid with similar properties. This amino acid position is conserved. In addition, the in silico prediction for this alteration is inconclusive. Based on the available evidence, the clinical significance of this variant remains unclear.

NM_002439.5(MSH3):c.1742C>T (p.Thr581Ile)

Gene: MSH3 (mutS homolog 3; plus strand). Cytogenetic location: 5q14.1.
Variant type: single nucleotide variant.
Coding change: c.1742C>T on transcript NM_002439.5 (MANE Select); coding-DNA position 1742, C replaced by T.
Protein change: p.Thr581Ile; replaces threonine 581 with isoleucine.
Molecular consequence: missense variant.
Genome position (GRCh38, 1-based): chr5:80,744,594, C>T. VCF-style: chr5-80744594-C-T. GRCh37 (hg19) VCF-style: chr5-80040413-C-T.
Other names: short protein forms T581I.
Identifiers: ClinVar variation 3296305 (VCV003296305.1).